The following is an entry in ClinVar:

ClinVar aggregate classification (germline): Uncertain significance (1 of 4 stars; one submission).

Conditions:
Inborn genetic diseases. Identifiers: MedGen C0950123, MeSH D030342.

Submission:

Ambry Genetics
Classification: Uncertain significance for Inborn genetic diseases. Last evaluated: 2020-04-30. Review status: criteria provided, single submitter. Criteria: Ambry Variant Classification Scheme 2023. Collection method: clinical testing. Allele origin: germline.
Comment: The alteration results in an amino acid change:_x000D_ _x000D_ The c.2369A>C (p.Q790P) alteration is located in coding exon 15 of the POLR2A gene. This alteration results from a A to C substitution at nucleotide position 2369, causing the glutamine (Q) at amino acid position 790 to be replaced by a proline (P). The alteration is not observed in population databases: _x000D_ _x000D_ Based on data from the Genome Aggregation Database (gnomAD), the POLR2A c.2369A>C alteration was not observed, with coverage at this position. The altered amino acid is conserved throughout evolution:_x000D_ _x000D_ The p.Q790 amino acid is conserved in available vertebrate species. The alteration is predicted deleterious by in silico modeling:_x000D_ _x000D_ The p.Q790P alteration is predicted to be deleterious by in silico analysis. Based on insufficient or conflicting evidence, the clinical significance of this alteration remains unclear.

NM_000937.5(POLR2A):c.2369A>C (p.Gln790Pro)

Genes: POLR2A (RNA polymerase II subunit A; plus strand), LOC126862481 (BRD4-independent group 4 enhancer GRCh37_chr17:7405086-7406285; plus strand). Cytogenetic location: 17p13.1.
Variant type: single nucleotide variant.
Coding change: c.2369A>C on transcript NM_000937.5 (MANE Select); coding-DNA position 2369, A replaced by C.
Protein change: p.Gln790Pro; replaces glutamine 790 with proline.
Molecular consequence: missense variant.
Genome position (GRCh38, 1-based): chr17:7,501,919, A>C. VCF-style: chr17-7501919-A-C. GRCh37 (hg19) VCF-style: chr17-7405238-A-C.
Other names: short protein forms Q790P.
Identifiers: ClinVar variation 985125 (VCV000985125.5), dbSNP rs2070591634, ClinGen allele CA397887697.